The following is an entry in ClinVar:

NM_001292034.3(TAB2):c.827A>C (p.Gln276Pro)

Genes: TAB2 (TGF-beta activated kinase 1 (MAP3K7) binding protein 2; plus strand), LOC126859827 (BRD4-independent group 4 enhancer GRCh37_chr6:149699707-149700906; plus strand). Cytogenetic location: 6q25.1.
Variant type: single nucleotide variant.
Coding change: c.827A>C on transcript NM_001292034.3 (MANE Select); coding-DNA position 827, A replaced by C.
Protein change: p.Gln276Pro; replaces glutamine 276 with proline.
Molecular consequence: missense variant.
Genome position (GRCh38, 1-based): chr6:149,378,742, A>C. VCF-style: chr6-149378742-A-C. GRCh37 (hg19) VCF-style: chr6-149699878-A-C.
Other names: c.827A>C (NM_015093.4); c.731A>C, p.Gln244Pro (NM_001292035.3); c.827A>C, p.Gln276Pro (NM_001369506.1, NM_015093.6); short protein forms Q244P, Q276P.
Identifiers: ClinVar variation 2419777 (VCV002419777.7), dbSNP rs541985795, ClinGen allele CA4041458.
Genomic context (GRCh38, chr6:149,378,742, plus strand): 5'-GGACTACTTGTCCTGCATCTAATCCTCTGTCACATACCTCATCTCAACAGCCAAATCAGC[A>C]AGGCCACCAGACCTCTCATGTCTACATGCCAATCAGTTCACCTACTACTTCACAACCACC-3'
Protein context (NP_001278963.1, residues 266-286): SHTSSQQPNQ[Gln276Pro]GHQTSHVYMP

ClinVar aggregate classification (germline): Uncertain significance. Review status: criteria provided, multiple submitters, no conflicts (2 of 4 stars). 2 submissions from 2 submitters: Uncertain significance (2). Last evaluated 2025-11-10.

Conditions:
Inborn genetic diseases. Identifiers: MedGen C0950123, MeSH D030342.

Allele frequency attached by ClinVar (database versions not stated): gnomAD 0.00006; 1000 Genomes Project 30x 0.00109; 1000 Genomes Project 0.00140; gnomAD exomes 0.00005; ExAC 0.00009; TOPMed 0.00002.
gnomAD v4.1: 86 of 1,614,136 alleles (0.0053%); highest among the groups gnomAD compares: South Asian, 0.089%; 1 homozygote.

Submissions (2):

Ambry Genetics
Classification: Uncertain significance for Inborn genetic diseases. Last evaluated: 2025-11-10. Review status: criteria provided, single submitter. Criteria: Ambry Variant Classification Scheme 2023. Collection method: clinical testing. Allele origin: germline.

Labcorp Genetics (formerly Invitae), Labcorp
Classification: Uncertain significance. Last evaluated: 2025-01-24. Review status: criteria provided, single submitter. Criteria: Invitae Variant Classification Sherloc (09022015). Collection method: clinical testing. Allele origin: germline.
Comment: This sequence change replaces glutamine, which is neutral and polar, with proline, which is neutral and non-polar, at codon 276 of the TAB2 protein (p.Gln276Pro). This variant is present in population databases (rs541985795, gnomAD 0.05%), and has an allele count higher than expected for a pathogenic variant. This variant has not been reported in the literature in individuals affected with TAB2-related conditions. ClinVar contains an entry for this variant (Variation ID: 2419777). Invitae Evidence Modeling of protein sequence and biophysical properties (such as structural, functional, and spatial information, amino acid conservation, physicochemical variation, residue mobility, and thermodynamic stability) indicates that this missense variant is not expected to disrupt TAB2 protein function with a negative predictive value of 80%. In summary, the available evidence is currently insufficient to determine the role of this variant in disease. Therefore, it has been classified as a Variant of Uncertain Significance.